The following is an entry in ClinVar:

ClinVar aggregate classification (germline): Pathogenic. Review status: no assertion criteria provided (0 of 4 stars). 2 submissions from 2 submitters: Pathogenic (2). Last evaluated 2019-12-06.

Conditions:
Hypertrophic cardiomyopathy. Also called: HYPERTROPHIC MYOCARDIOPATHY. Identifiers: Orphanet 217569, MedGen C0007194, MeSH D002312, MONDO:0005045, HP:0001639.

Submissions (2):

Agnes Ginges Centre for Molecular Cardiology, Centenary Institute
Classification: Pathogenic for Hypertrophic cardiomyopathy. Last evaluated: 2019-12-06. Review status: no assertion criteria provided. Collection method: research. Allele origin: germline. Inheritance: Autosomal dominant inheritance. Affected: yes.
Comment: The MYBPC3 Ser871Alafs*8 variant has been seen previously in >10 HCM probands (Lopes JR, et al., 2013; Jacques A, et al., 2008; Walsh et al., 2017) and is absent in the Genome Aggregation Database. Based on the adapted ACMG guidelines (Kelly MA, et al., 2018) this variant results in loss of function of MYBPC3 (PVS1), has been reported in more than 10 unrelated HCM probands (PS4) and is rare in the general population (PM2), therefore we classify MYBPC3 Ser871Alafs*8 as a "pathogenic" variant.

Laboratory for Molecular Medicine, Mass General Brigham Personalized Medicine
Classification: Pathogenic for Hypertrophic cardiomyopathy. Last evaluated: 2013-03-05. Review status: no assertion criteria provided. Collection method: clinical testing. Allele origin: germline. Inheritance: Autosomal dominant inheritance. Observed: 4 variant alleles.
Comment: proposed classification - variant undergoing re-assessment, contact laboratory

Literature cited by the submitters: PubMed 19219553 (cited by Agnes Ginges Centre for Molecular Cardiology, Centenary Institute); PubMed 19574547 (cited by Agnes Ginges Centre for Molecular Cardiology, Centenary Institute); PubMed 23396983 (cited by Agnes Ginges Centre for Molecular Cardiology, Centenary Institute); PubMed 27532257 (cited by Agnes Ginges Centre for Molecular Cardiology, Centenary Institute); PubMed 27600940 (cited by Agnes Ginges Centre for Molecular Cardiology, Centenary Institute); PubMed 28408708 (cited by Agnes Ginges Centre for Molecular Cardiology, Centenary Institute).

NM_000256.3(MYBPC3):c.2604_2605delinsA (p.Ser871fs)

Gene: MYBPC3 (myosin binding protein C3; minus strand). Cytogenetic location: 11p11.2.
Variant type: Indel.
Coding change: c.2604_2605delinsA on transcript NM_000256.3 (MANE Select); coding-DNA positions 2604 to 2605, TC replaced by A.
Protein change: p.Ser871fs; shifts the reading frame from serine 871.
Molecular consequence: frameshift variant.
Genome position (GRCh38, 1-based): chr11:47,336,009-47,336,010, GA replaced by T on the plus strand (TC replaced by A on the coding strand, the reverse complement: MYBPC3 is on the minus strand). VCF-style: chr11-47336009-GA-T. GRCh37 (hg19) VCF-style: chr11-47357560-GA-T.
Other names: c.2604_2605delTCinsA (NM_000256.3); short protein forms S871fs.
Identifiers: ClinVar variation 177870 (VCV000177870.5), dbSNP rs727504371, ClinGen allele CA012683.